The following is an entry in ClinVar:

ClinVar aggregate classification (germline): Likely benign (1 of 4 stars; one submission).

Allele frequency attached by ClinVar (database versions not stated): gnomAD 0.00011.
gnomAD v4.1: 62 of 398,402 alleles (0.016%); highest among the groups gnomAD compares: Middle Eastern, 0.062%; no homozygotes.

Submission:

CeGaT Center for Human Genetics Tuebingen
Classification: Likely benign. Last evaluated: 2026-02-01. Review status: criteria provided, single submitter. Criteria: CeGaT Center For Human Genetics Tuebingen Variant Classification Criteria Version 2. Collection method: clinical testing. Allele origin: germline. Affected: yes. Observed: 3 variant alleles.
Comment: KCNQ1OT1: BS2

NM_000218.3(KCNQ1):c.1393+23747A>G

Genes: KCNQ1 (potassium voltage-gated channel subfamily Q member 1; plus strand), KCNQ1OT1 (KCNQ1 opposite strand/antisense transcript 1; minus strand). Cytogenetic location: 11p15.5.
Variant type: single nucleotide variant.
Coding change: c.1393+23747A>G on transcript NM_000218.3 (MANE Select); 23747 bases into the intron after coding-DNA position 1393, A replaced by G.
Molecular consequence: intron variant. On other transcripts: non-coding transcript variant (1).
Genome position (GRCh38, 1-based): chr11:2,612,601, A>G. VCF-style: chr11-2612601-A-G. GRCh37 (hg19) VCF-style: chr11-2633831-A-G.
Other names: c.1123+23747A>G (NM_001406837.1); c.1297+23747A>G (NM_001406836.1); c.853+23747A>G (NM_001406838.1); c.1012+23747A>G (NM_181798.2).
Identifiers: ClinVar variation 2641369 (VCV002641369.24), dbSNP rs568253928, ClinGen allele CA216357741.